The following is an entry in ClinVar:

NM_001130438.3(SPTAN1):c.414dup (p.Arg139fs)

Gene: SPTAN1 (spectrin alpha, non-erythrocytic 1; plus strand). Cytogenetic location: 9q34.11.
Variant type: Duplication.
Coding change: c.414dup on transcript NM_001130438.3 (MANE Select); coding-DNA position 414, one base duplicated (G; older notation c.414dupG).
Protein change: p.Arg139fs; shifts the reading frame from arginine 139.
Molecular consequence: frameshift variant.
Genome position (GRCh38, 1-based): chr9:128,574,725, G duplicated. VCF-style (leftmost placement, unchanged base first): chr9-128574724-T-TG. GRCh37 (hg19) VCF-style: chr9-131337003-T-TG.
Other names: c.414dup, p.Arg139fs (NM_001195532.2, NM_001363759.2, NM_001363765.2 and 10 more transcripts); c.450dup, p.Arg151fs (NM_001375312.2, NM_001375318.1, NM_001438440.1); short protein forms R151fs, R139fs.
Identifiers: ClinVar variation 4632090 (VCV004632090.1).

ClinVar aggregate classification (germline): Pathogenic (1 of 4 stars; one submission).

Conditions:
Inborn genetic diseases. Identifiers: MedGen C0950123, MeSH D030342.

Submission:

Ambry Genetics
Classification: Pathogenic for Inborn genetic diseases. Last evaluated: 2025-12-08. Review status: criteria provided, single submitter. Criteria: Ambry Variant Classification Scheme 2023. Collection method: clinical testing. Allele origin: germline.
Comment: The c.414dupG (p.R139Afs*21) alteration, located in exon 4 (coding exon 3) of the SPTAN1 gene, consists of a duplication of G at position 414, causing a translational frameshift with a predicted alternate stop codon after 21 amino acids. This alteration is expected to result in loss of function by premature protein truncation or nonsense-mediated mRNA decay. for SPTAN1-related neurologic disorders; however, its clinical significance for SPTAN1-related developmental and epileptic encephalopathy is uncertain. This variant was not reported in population-based cohorts in the Genome Aggregation Database (gnomAD). Based on the available evidence, this alteration is classified as pathogenic.